The following is an entry in ClinVar:

ClinVar aggregate classification (germline): Conflicting classifications of pathogenicity. Review status: criteria provided, conflicting classifications (1 of 4 stars). 4 submissions from 4 submitters: Uncertain significance (1); Benign (1); Likely benign (2). Last evaluated 2025-08-12.

Conditions:
Familial melanoma. Also called: Hereditary melanoma; Hereditary cutaneous melanoma. Identifiers: Orphanet 618, MedGen C1512419, MONDO:0018961.
Melanoma-pancreatic cancer syndrome. Identifiers: Orphanet 404560, MedGen C1838547, MONDO:0011713, OMIM 606719. Disease mechanism: loss of function.
Hereditary cancer-predisposing syndrome. Also called: Neoplastic Syndromes, Hereditary; Tumor predisposition; Hereditary Cancer Syndrome; Hereditary neoplastic syndrome. Identifiers: Orphanet 140162, MedGen C0027672, MeSH D009386, MONDO:0015356.

Allele frequency attached by ClinVar (database versions not stated): TOPMed below 0.00001.

Submissions (4):

Myriad Genetics, Inc.
Classification: Benign for Melanoma-pancreatic cancer syndrome. Last evaluated: 2025-08-12. Review status: criteria provided, single submitter. Criteria: Myriad Autosomal Dominant, Autosomal Recessive and X-Linked Classification Criteria (2023). Collection method: clinical testing. Allele origin: unknown.
Comment: This variant is considered benign. This variant is a silent/synonymous amino acid change and it is not expected to impact splicing.

GeneDx
Classification: Uncertain significance. Last evaluated: 2024-05-14. Review status: criteria provided, single submitter. Criteria: GeneDx Variant Classification Process June 2021. Collection method: clinical testing. Allele origin: germline. Affected: yes.
Comment: Not observed at significant frequency in large population cohorts (gnomAD); In silico analysis supports that this variant does not alter splicing; Has not been previously published as pathogenic or benign to our knowledge; Reported using an alternate transcript of the gene

Labcorp Genetics (formerly Invitae), Labcorp
Classification: Likely benign for Familial melanoma. Last evaluated: 2021-08-09. Review status: criteria provided, single submitter. Criteria: Invitae Variant Classification Sherloc (09022015). Collection method: clinical testing. Allele origin: germline.

Ambry Genetics
Classification: Likely benign for Hereditary cancer-predisposing syndrome. Last evaluated: 2020-09-30. Review status: criteria provided, single submitter. Criteria: Ambry Variant Classification Scheme 2023. Collection method: clinical testing. Allele origin: germline.

NM_058195.4(CDKN2A):c.81C>T (p.Ile27=)

Gene: CDKN2A (cyclin dependent kinase inhibitor 2A; minus strand). Cytogenetic location: 9p21.3.
Variant type: single nucleotide variant.
Coding change: c.81C>T on transcript NM_058195.4 (MANE Plus Clinical); coding-DNA position 81, C replaced by T.
Protein change: p.Ile27=; no amino-acid change (isoleucine 27 retained).
Molecular consequence: synonymous variant. On other transcripts: intron variant (1).
Genome position (GRCh38, 1-based): chr9:21,994,251, G>A on the plus strand (C>T on the coding strand, the complement: CDKN2A is on the minus strand). VCF-style: chr9-21994251-G-A. GRCh37 (hg19) VCF-style: chr9-21994250-G-A.
Other names: c.-4+570C>T (NM_001363763.2).
Identifiers: ClinVar variation 1161397 (VCV001161397.9), dbSNP rs1413839473, ClinGen allele CA464100335.
Genomic context (GRCh38, chr9:21,994,251, plus strand): 5'-CAGCACGAGGGCCACAGCGGCGGGCGCCCCTGGCGCTGCCCACTCCCCCGTGAGCCGCGG[G>A]ATGTGAACCACGAAAACCCTCACTCGCGGCGGGCCGCACGCGCGCCGAATCCGGAGGGTC-3'
Protein context (NP_478102.2, residues 17-37): PPRVRVFVVH[Ile27=]PRLTGEWAAP